The following is an entry in ClinVar:

ClinVar aggregate classification (germline): Pathogenic. Review status: criteria provided, single submitter (1 of 4 stars). 2 submissions from 2 submitters: Pathogenic (1). 1 of the submissions does not count toward it. Last evaluated 2019-11-22.

Conditions:
Lysinuric protein intolerance (LPI). Identifiers: Orphanet 470, MedGen C0268647, MONDO:0009109, OMIM 222700.

gnomAD v4.1: 5 of 1,614,070 alleles (0.00031%); highest among the groups gnomAD compares: Non-Finnish European, 0.00042%; no homozygotes.

Submissions (2):

Labcorp Genetics (formerly Invitae), Labcorp
Classification: Pathogenic for Lysinuric protein intolerance. Last evaluated: 2019-11-22. Review status: criteria provided, single submitter. Criteria: Invitae Variant Classification Sherloc (09022015). Collection method: clinical testing. Allele origin: germline.
Comment: For these reasons, this variant has been classified as Pathogenic. Donor and acceptor splice site variants typically lead to a loss of protein function (PMID: 16199547), and loss-of-function variants in SLC7A7 are known to be pathogenic (PMID: 10631139, 17764084). Disruption of this splice site has been observed in individual(s) with lysinuric protein intolerance (PMID: 18716612, 10631139, 29058386). In at least one individual the data is consistent with the variant being in trans (on the opposite chromosome) from a pathogenic variant. This variant is also known as IVS4+1G>C in the literature. ClinVar contains an entry for this variant (Variation ID: 56375). This variant is not present in population databases (ExAC no frequency). This sequence change affects a donor splice site in intron 4 of the SLC7A7 gene. It is expected to disrupt RNA splicing and likely results in an absent or disrupted protein product.

Juha Muilu Group; Institute for Molecular Medicine Finland (FIMM)
Classification: Likely pathogenic for Lysinuric protein intolerance. Review status: no assertion criteria provided. Collection method: not provided. Allele origin: unknown. Not counted in ClinVar's aggregate classification.
Comment: FinDis database variant: This variant was not found or characterized by our laboratory, data were collected from public sources: see reference
ClinVar note: Converted during submission from probable-pathogenic to Likely pathogenic.

Literature cited by the submitters: PubMed 16199547 (cited by Labcorp Genetics (formerly Invitae), Labcorp); PubMed 10631139 (cited by Labcorp Genetics (formerly Invitae), Labcorp); PubMed 17764084 (cited by Labcorp Genetics (formerly Invitae), Labcorp); PubMed 18716612 (cited by Labcorp Genetics (formerly Invitae), Labcorp); PubMed 29058386 (cited by Labcorp Genetics (formerly Invitae), Labcorp).

NM_003982.4(SLC7A7):c.625+1G>C

Gene: SLC7A7 (solute carrier family 7 member 7; minus strand). Cytogenetic location: 14q11.2.
Variant type: single nucleotide variant.
Coding change: c.625+1G>C on transcript NM_003982.4 (MANE Select); the canonical splice donor site of the intron after coding-DNA position 625, G replaced by C.
Molecular consequence: splice donor variant.
Genome position (GRCh38, 1-based): chr14:22,779,925, C>G on the plus strand (G>C on the coding strand, the complement: SLC7A7 is on the minus strand). VCF-style: chr14-22779925-C-G. GRCh37 (hg19) VCF-style: chr14-23249134-C-G.
Other names: c.625+1G>C (NM_001126106.4, NM_001126105.3).
Identifiers: ClinVar variation 56375 (VCV000056375.11), dbSNP rs386833822, ClinGen allele CA263839.